The following is an entry in ClinVar:

ClinVar aggregate classification (germline): Pathogenic (1 of 4 stars; one submission).

Submission:

Labcorp Genetics (formerly Invitae), Labcorp
Classification: Pathogenic. Last evaluated: 2023-11-02. Review status: criteria provided, single submitter. Criteria: Invitae Variant Classification Sherloc (09022015). Collection method: clinical testing. Allele origin: germline.
Comment: This sequence change replaces tyrosine, which is neutral and polar, with cysteine, which is neutral and slightly polar, at codon 188 of the USH2A protein (p.Tyr188Cys). This variant is not present in population databases (gnomAD no frequency). This missense change has been observed in individual(s) with Usher syndrome (PMID: 29142287). In at least one individual the data is consistent with being in trans (on the opposite chromosome) from a pathogenic variant. ClinVar contains an entry for this variant (Variation ID: 2202986). Advanced modeling of protein sequence and biophysical properties (such as structural, functional, and spatial information, amino acid conservation, physicochemical variation, residue mobility, and thermodynamic stability) performed at Invitae indicates that this missense variant is expected to disrupt USH2A protein function with a positive predictive value of 80%. This variant disrupts the p.Tyr188 amino acid residue in USH2A. Other variant(s) that disrupt this residue have been determined to be pathogenic (PMID: 27460420; Invitae). This suggests that this residue is clinically significant, and that variants that disrupt this residue are likely to be disease-causing. For these reasons, this variant has been classified as Pathogenic.

Literature cited by the submitters: PubMed 29142287; PubMed 27460420.

NM_206933.4(USH2A):c.563A>G (p.Tyr188Cys)

Gene: USH2A (usherin; minus strand). Cytogenetic location: 1q41.
Variant type: single nucleotide variant.
Coding change: c.563A>G on transcript NM_206933.4 (MANE Select); coding-DNA position 563, A replaced by G.
Protein change: p.Tyr188Cys; replaces tyrosine 188 with cysteine.
Molecular consequence: missense variant.
Genome position (GRCh38, 1-based): chr1:216,418,602, T>C on the plus strand (A>G on the coding strand, the complement: USH2A is on the minus strand). VCF-style: chr1-216418602-T-C. GRCh37 (hg19) VCF-style: chr1-216591944-T-C.
Other names: c.563A>G, p.Tyr188Cys (NM_007123.6); short protein forms Y188C.
Identifiers: ClinVar variation 2202986 (VCV002202986.4), dbSNP rs2102783934, ClinGen allele CA344902511.